The following is an entry in ClinVar:

NM_001184.4(ATR):c.3583G>C (p.Ala1195Pro)

Gene: ATR (ATR checkpoint kinase; minus strand). Cytogenetic location: 3q23.
Variant type: single nucleotide variant.
Coding change: c.3583G>C on transcript NM_001184.4 (MANE Select); coding-DNA position 3583, G replaced by C.
Protein change: p.Ala1195Pro; replaces alanine 1195 with proline.
Molecular consequence: missense variant.
Genome position (GRCh38, 1-based): chr3:142,538,624, C>G on the plus strand (G>C on the coding strand, the complement: ATR is on the minus strand). VCF-style: chr3-142538624-C-G. GRCh37 (hg19) VCF-style: chr3-142257466-C-G.
Other names: c.3391G>C, p.Ala1131Pro (NM_001354579.2); short protein forms A1131P, A1195P.
Identifiers: ClinVar variation 1732917 (VCV001732917.2), dbSNP rs2108433043, ClinGen allele CA354807671.

ClinVar aggregate classification (germline): Uncertain significance (1 of 4 stars; one submission).

Conditions:
Inborn genetic diseases. Identifiers: MedGen C0950123, MeSH D030342.

gnomAD v4.1: 2 of 1,613,286 alleles (0.00012%); highest among the groups gnomAD compares: Non-Finnish European, 0.00017%; no homozygotes.

Submission:

Ambry Genetics
Classification: Uncertain significance for Inborn genetic diseases. Last evaluated: 2021-07-11. Review status: criteria provided, single submitter. Criteria: Ambry Variant Classification Scheme 2023. Collection method: clinical testing. Allele origin: germline.
Comment: The p.A1195P variant (also known as c.3583G>C), located in coding exon 19 of the ATR gene, results from a G to C substitution at nucleotide position 3583. The alanine at codon 1195 is replaced by proline, an amino acid with highly similar properties. This amino acid position is conserved. In addition, the in silico prediction for this alteration is inconclusive. Since supporting evidence is limited at this time, the clinical significance of this alteration remains unclear.